The following is an entry in ClinVar:

ClinVar aggregate classification (germline): Uncertain significance (1 of 4 stars; one submission).

Allele frequency attached by ClinVar (database versions not stated): gnomAD 0.00001; gnomAD exomes 0.00001; TOPMed 0.00001.
gnomAD v4.1: 11 of 1,507,474 alleles (0.00073%); highest among the groups gnomAD compares: South Asian, 0.011%; no homozygotes.

Submission:

Labcorp Genetics (formerly Invitae), Labcorp
Classification: Uncertain significance. Last evaluated: 2025-01-23. Review status: criteria provided, single submitter. Criteria: Invitae Variant Classification Sherloc (09022015). Collection method: clinical testing. Allele origin: germline.
Comment: This sequence change replaces proline, which is neutral and non-polar, with alanine, which is neutral and non-polar, at codon 590 of the COL18A1 protein (p.Pro590Ala). This variant is present in population databases (rs754558226, gnomAD 0.006%). This variant has not been reported in the literature in individuals affected with COL18A1-related conditions. ClinVar contains an entry for this variant (Variation ID: 1379756). Experimental studies and prediction algorithms are not available or were not evaluated, and the functional significance of this variant is currently unknown. In summary, the available evidence is currently insufficient to determine the role of this variant in disease. Therefore, it has been classified as a Variant of Uncertain Significance.

NM_001379500.1(COL18A1):c.1768C>G (p.Pro590Ala)

Gene: COL18A1 (collagen type XVIII alpha 1 chain; plus strand). Cytogenetic location: 21q22.3.
Variant type: single nucleotide variant.
Coding change: c.1768C>G on transcript NM_001379500.1 (MANE Select); coding-DNA position 1768, C replaced by G.
Protein change: p.Pro590Ala; replaces proline 590 with alanine.
Molecular consequence: missense variant.
Genome position (GRCh38, 1-based): chr21:45,486,927, C>G. VCF-style: chr21-45486927-C-G. GRCh37 (hg19) VCF-style: chr21-46906841-C-G.
Other names: c.2308C>G, p.Pro770Ala (NM_030582.4); c.3013C>G, p.Pro1005Ala (NM_130444.3); short protein forms P770A, P1005A, P590A.
Identifiers: ClinVar variation 1379756 (VCV001379756.5), dbSNP rs754558226, ClinGen allele CA10066534.